The following is an entry in ClinVar:

NM_005591.4(MRE11):c.1958A>G (p.Glu653Gly)

Gene: MRE11 (MRE11 double strand break repair nuclease; minus strand). Cytogenetic location: 11q21.
Variant type: single nucleotide variant.
Coding change: c.1958A>G on transcript NM_005591.4 (MANE Select); coding-DNA position 1958, A replaced by G.
Protein change: p.Glu653Gly; replaces glutamic acid 653 with glycine.
Molecular consequence: missense variant.
Genome position (GRCh38, 1-based): chr11:94,435,868, T>C on the plus strand (A>G on the coding strand, the complement: MRE11 is on the minus strand). VCF-style: chr11-94435868-T-C. GRCh37 (hg19) VCF-style: chr11-94169034-T-C.
Other names: c.1955A>G, p.Glu652Gly (NM_001330347.2); c.1874A>G, p.Glu625Gly (NM_005590.4); short protein forms E653G, E625G, E652G.
Identifiers: ClinVar variation 3397837 (VCV003397837.1).

ClinVar aggregate classification (germline): Uncertain significance (1 of 4 stars; one submission).

Conditions:
Hereditary cancer-predisposing syndrome. Also called: Hereditary Cancer Syndrome; Tumor predisposition; Hereditary neoplastic syndrome; Neoplastic Syndromes, Hereditary. Identifiers: Orphanet 140162, MedGen C0027672, MeSH D009386, MONDO:0015356.

Submission:

Ambry Genetics
Classification: Uncertain significance for Hereditary cancer-predisposing syndrome. Last evaluated: 2024-07-05. Review status: criteria provided, single submitter. Criteria: Ambry Variant Classification Scheme 2023. Collection method: clinical testing. Allele origin: germline.
Comment: The p.E653G variant (also known as c.1958A>G), located in coding exon 17 of the MRE11A gene, results from an A to G substitution at nucleotide position 1958. The glutamic acid at codon 653 is replaced by glycine, an amino acid with similar properties. This amino acid position is conserved. In addition, this alteration is predicted to be tolerated by in silico analysis. Based on the available evidence, the clinical significance of this variant remains unclear.